The following is an entry in ClinVar:

ClinVar aggregate classification (germline): Uncertain significance (1 of 4 stars; one submission).

Submission:

Labcorp Genetics (formerly Invitae), Labcorp
Classification: Uncertain significance. Last evaluated: 2024-11-18. Review status: criteria provided, single submitter. Criteria: Invitae Variant Classification Sherloc (09022015). Collection method: clinical testing. Allele origin: germline.
Comment: This sequence change affects an acceptor splice site in intron 6 of the MTOR gene. It is expected to disrupt RNA splicing. Variants that disrupt the donor or acceptor splice site typically lead to a loss of protein function (PMID: 16199547), however the current clinical and genetic evidence is not sufficient to establish whether loss-of-function variants in MTOR cause disease. This variant is not present in population databases (gnomAD no frequency). This variant has not been reported in the literature in individuals affected with MTOR-related conditions. Algorithms developed to predict the effect of sequence changes on RNA splicing suggest that this variant may disrupt the consensus splice site. In summary, the available evidence is currently insufficient to determine the role of this variant in disease. Therefore, it has been classified as a Variant of Uncertain Significance.

Literature cited by the submitters: PubMed 16199547.

NM_004958.4(MTOR):c.841-1G>A

Gene: MTOR (mechanistic target of rapamycin kinase; minus strand). Cytogenetic location: 1p36.22.
Variant type: single nucleotide variant.
Coding change: c.841-1G>A on transcript NM_004958.4 (MANE Select); the canonical splice acceptor site of the intron before coding-DNA position 841, G replaced by A.
Molecular consequence: splice acceptor variant.
Genome position (GRCh38, 1-based): chr1:11,248,095, C>T on the plus strand (G>A on the coding strand, the complement: MTOR is on the minus strand). VCF-style: chr1-11248095-C-T. GRCh37 (hg19) VCF-style: chr1-11308152-C-T.
Other names: c.-299-1G>A (NM_001386501.1); c.841-1G>A (NM_001386500.1).
Identifiers: ClinVar variation 3725495 (VCV003725495.2).